The following is an entry in ClinVar:

NM_001349253.2(SCN11A):c.628_630dup (p.Tyr210_Ile211insTyr)

Gene: SCN11A (sodium voltage-gated channel alpha subunit 11; minus strand). Cytogenetic location: 3p22.2.
Variant type: Duplication.
Coding change: c.628_630dup on transcript NM_001349253.2 (MANE Select); coding-DNA positions 628 to 630, 3 bases duplicated (TAT; older notation c.628_630dupTAT).
Protein change: p.Tyr210_Ile211insTyr.
Molecular consequence: inframe insertion.
Genome position (GRCh38, 1-based): chr3:38,925,497-38,925,499, ATA duplicated on the plus strand (TAT on the coding strand, the reverse complement: SCN11A is on the minus strand). VCF-style (leftmost placement, unchanged base first): chr3-38925496-T-TATA. GRCh37 (hg19) VCF-style: chr3-38966987-T-TATA.
Other names: c.628_630dup, p.Tyr210_Ile211insTyr (NM_014139.3).
Identifiers: ClinVar variation 3748957 (VCV003748957.2).

ClinVar aggregate classification (germline): Uncertain significance (1 of 4 stars; one submission).

Conditions:
Hereditary sensory and autonomic neuropathy type 7. Also called: HSAN VII; Neuropathy, hereditary sensory and autonomic, type VII. Identifiers: Orphanet 391397, MedGen C3809882, MONDO:0014244, OMIM 615548.
Familial episodic pain syndrome with predominantly lower limb involvement. Also called: Episodic pain syndrome, familial, 3. Identifiers: Orphanet 391384, Orphanet 391392, MedGen C3809899, MONDO:0014247, OMIM 615552.

Submission:

Labcorp Genetics (formerly Invitae), Labcorp
Classification: Uncertain significance for Familial episodic pain syndrome with predominantly lower limb involvement; Hereditary sensory and autonomic neuropathy type 7. Last evaluated: 2024-06-04. Review status: criteria provided, single submitter. Criteria: Invitae Variant Classification Sherloc (09022015). Collection method: clinical testing. Allele origin: germline.
Comment: This variant, c.628_630dup, results in the insertion of 1 amino acid(s) of the SCN11A protein (p.Tyr210dup), but otherwise preserves the integrity of the reading frame. This variant is not present in population databases (gnomAD no frequency). This variant has not been reported in the literature in individuals affected with SCN11A-related conditions. In summary, the available evidence is currently insufficient to determine the role of this variant in disease. Therefore, it has been classified as a Variant of Uncertain Significance.